The following is an entry in ClinVar:

NC_000006.11:g.(?_43554989)_(43555246_?)del

Gene: POLH (DNA polymerase eta; plus strand). Cytogenetic location: 6p21.1.
Variant type: Deletion.
Identifiers: ClinVar variation 3246203 (VCV003246203.1).

ClinVar aggregate classification (germline): Pathogenic (1 of 4 stars; one submission).

Submission:

Labcorp Genetics (formerly Invitae), Labcorp
Classification: Pathogenic. Last evaluated: 2023-07-12. Review status: criteria provided, single submitter. Criteria: Invitae Variant Classification Sherloc (09022015). Collection method: clinical testing. Allele origin: unknown.
Comment: This variant is a gross deletion of the genomic region encompassing exon(s) 4 of the POLH gene. This deletion is out-of-frame, and is expected to create a premature termination codon and result in an absent or disrupted protein product. Loss-of-function variants in POLH are known to be pathogenic (PMID: 11773631, 24130121, 25256075). This variant has not been reported in the literature in individuals affected with POLH-related conditions. For these reasons, this variant has been classified as Pathogenic.

Literature cited by the submitters: PubMed 11773631; PubMed 24130121; PubMed 25256075.